The following is an entry in ClinVar:

NM_004415.4(DSP):c.631C>G (p.Leu211Val)

Gene: DSP (desmoplakin; plus strand). Cytogenetic location: 6p24.3.
Variant type: single nucleotide variant.
Coding change: c.631C>G on transcript NM_004415.4 (MANE Select); coding-DNA position 631, C replaced by G.
Protein change: p.Leu211Val; replaces leucine 211 with valine.
Molecular consequence: missense variant.
Genome position (GRCh38, 1-based): chr6:7,562,685, C>G. VCF-style: chr6-7562685-C-G. GRCh37 (hg19) VCF-style: chr6-7562918-C-G.
Other names: c.631C>G, p.Leu211Val (NM_001008844.3, NM_001319034.2, NM_001406591.1); short protein forms L211V.
Identifiers: ClinVar variation 3761131 (VCV003761131.2).

ClinVar aggregate classification (germline): Uncertain significance (1 of 4 stars; one submission).

Conditions:
Arrhythmogenic cardiomyopathy with wooly hair and keratoderma. Also called: Arrhythmogenic cardiomyopathy with woolly hair and keratoderma; PALMOPLANTAR KERATODERMA WITH LEFT VENTRICULAR CARDIOMYOPATHY AND WOOLLY HAIR; Carvajal syndrome; Dilated cardiomyopathy with woolly hair and keratoderma. Identifiers: Orphanet 65282, MedGen C1854063, MONDO:0011581, OMIM 605676.
Arrhythmogenic right ventricular dysplasia 8 (ARVD8). Also called: Arrhythmogenic Right Ventricular Dysplasia/Cardiomyopathy 8; ARRHYTHMOGENIC RIGHT VENTRICULAR DYSPLASIA, FAMILIAL, 8; ARRHYTHMOGENIC RIGHT VENTRICULAR CARDIOMYOPATHY 8. Identifiers: MedGen C1843896, MONDO:0011831, OMIM 607450.

gnomAD v4.1: 2 of 1,614,074 alleles (0.00012%); highest among the groups gnomAD compares: Non-Finnish European, 0.00017%; no homozygotes.

Submission:

Labcorp Genetics (formerly Invitae), Labcorp
Classification: Uncertain significance for Arrhythmogenic cardiomyopathy with wooly hair and keratoderma; Arrhythmogenic right ventricular dysplasia 8. Last evaluated: 2025-07-27. Review status: criteria provided, single submitter. Criteria: Invitae Variant Classification Sherloc (09022015). Collection method: clinical testing. Allele origin: germline.
Comment: This sequence change replaces leucine, which is neutral and non-polar, with valine, which is neutral and non-polar, at codon 211 of the DSP protein (p.Leu211Val). This variant is not present in population databases (gnomAD no frequency). This variant has not been reported in the literature in individuals affected with DSP-related conditions. ClinVar contains an entry for this variant (Variation ID: 3761131). An algorithm developed to predict the effect of missense changes on protein structure and function (PolyPhen-2) suggests that this variant is likely to be tolerated. In summary, the available evidence is currently insufficient to determine the role of this variant in disease. Therefore, it has been classified as a Variant of Uncertain Significance.